The following is an entry in ClinVar:

NM_024675.4(PALB2):c.147G>T (p.Lys49Asn)

Gene: PALB2 (partner and localizer of BRCA2; minus strand). Cytogenetic location: 16p12.2.
Variant type: single nucleotide variant.
Coding change: c.147G>T on transcript NM_024675.4 (MANE Select); coding-DNA position 147, G replaced by T.
Protein change: p.Lys49Asn; replaces lysine 49 with asparagine.
Molecular consequence: missense variant. On other transcripts: 5 prime UTR variant (8), intron variant (3).
Genome position (GRCh38, 1-based): chr16:23,637,914, C>A on the plus strand (G>T on the coding strand, the complement: PALB2 is on the minus strand). VCF-style: chr16-23637914-C-A. GRCh37 (hg19) VCF-style: chr16-23649235-C-A.
Other names: c.87G>T, p.Lys29Asn (NM_001407296.1); c.147G>T, p.Lys49Asn (NM_001407297.1, NM_001407298.1, NM_001407299.1 and 3 more transcripts); c.-739G>T (NM_001407304.1, NM_001407305.1, NM_001407306.1 and 5 more transcripts); c.48+3196G>T (NM_001407314.1); c.-105+3196G>T (NM_001407313.1, NM_001407312.1); short protein forms K29N, K49N.
Identifiers: ClinVar variation 4722013 (VCV004722013.1).

ClinVar aggregate classification (germline): Uncertain significance (1 of 4 stars; one submission).

Conditions:
Familial cancer of breast. Also called: hereditary breast carcinoma; BREAST CANCER, FAMILIAL; Hereditary breast cancer. Identifiers: Orphanet 227535, MedGen C0346153, MONDO:0016419, OMIM 114480. Disease mechanism: loss of function.

Submission:

Labcorp Genetics (formerly Invitae), Labcorp
Classification: Uncertain significance for Familial cancer of breast. Last evaluated: 2025-06-24. Review status: criteria provided, single submitter. Criteria: Invitae Variant Classification Sherloc (09022015). Collection method: clinical testing. Allele origin: germline.
Comment: This sequence change replaces lysine, which is basic and polar, with asparagine, which is neutral and polar, at codon 49 of the PALB2 protein (p.Lys49Asn). This variant is not present in population databases (gnomAD no frequency). This variant has not been reported in the literature in individuals affected with PALB2-related conditions. An algorithm developed to predict the effect of missense changes on protein structure and function (PolyPhen-2) suggests that this variant is likely to be disruptive. In summary, the available evidence is currently insufficient to determine the role of this variant in disease. Therefore, it has been classified as a Variant of Uncertain Significance.